The following is an entry in ClinVar:

ClinVar aggregate classification (germline): Benign/Likely benign. Review status: criteria provided, multiple submitters, no conflicts (2 of 4 stars). 6 submissions from 6 submitters: Benign (3); Likely benign (2). 1 of the submissions does not count toward it. Last evaluated 2026-06-01.

Conditions:
Developmental delay with variable intellectual impairment and behavioral abnormalities. Identifiers: MedGen C5193092, MONDO:0032745, OMIM 618430.
TCF20-related disorder. Also called: TCF20-related condition.

Submissions (6):

CeGaT Center for Human Genetics Tuebingen
Classification: Likely benign. Last evaluated: 2026-06-01. Review status: criteria provided, single submitter. Criteria: CeGaT Center For Human Genetics Tuebingen Variant Classification Criteria Version 2. Collection method: clinical testing. Allele origin: germline. Affected: yes. Observed: 9 variant alleles.
Comment: TCF20: BS1

Labcorp Genetics (formerly Invitae), Labcorp
Classification: Benign. Last evaluated: 2026-01-26. Review status: criteria provided, single submitter. Criteria: Invitae Variant Classification Sherloc (09022015). Collection method: clinical testing. Allele origin: germline.

Blueprint Genetics
Classification: Likely benign. Last evaluated: 2024-11-28. Review status: criteria provided, single submitter. Criteria: ACMG Guidelines, 2015. Collection method: clinical testing. Allele origin: germline.

Department of Pathology and Laboratory Medicine, Sinai Health System
Classification: Benign for Developmental delay with variable intellectual impairment and behavioral abnormalities. Last evaluated: 2024-01-05. Review status: criteria provided, single submitter. Criteria: ACMG Guidelines, 2015. Collection method: research. Allele origin: germline.

Genetic Services Laboratory, University of Chicago
Classification: Benign. Last evaluated: 2018-06-20. Review status: criteria provided, single submitter. Criteria: ACMG Guidelines, 2015. Collection method: clinical testing. Allele origin: germline. Affected: no.

PreventionGenetics, part of Exact Sciences
Classification: Likely benign for TCF20-related condition. Last evaluated: 2021-12-27. Review status: no assertion criteria provided. Collection method: clinical testing. Allele origin: germline. Not counted in ClinVar's aggregate classification.
Comment: This variant is classified as likely benign based on ACMG/AMP sequence variant interpretation guidelines (Richards et al. 2015 PMID: 25741868, with internal and published modifications).

NM_001378418.1(TCF20):c.150CAGTGG[2] (p.51SG[2])

Gene: TCF20 (transcription factor 20; minus strand). Cytogenetic location: 22q13.2.
Variant type: Microsatellite.
Coding change: c.150CAGTGG[2] on transcript NM_001378418.1 (MANE Select); two copies in a row of the 6-base unit CAGTGG starting at c.150; the reference has three copies in a row; one copy, 6 bases deleted.
Protein change: p.51SG[2].
Molecular consequence: inframe deletion.
Genome position (GRCh38, 1-based): chr22:42,215,139-42,215,144, CCACTG deleted on the plus strand (CAGTGG on the coding strand, the reverse complement: TCF20 is on the minus strand); deleting any 6 consecutive bases within chr22:42,215,139-42,215,157 gives the same sequence; the position shown is the placement nearest the transcript's 3' end. VCF-style (leftmost placement, unchanged base first): chr22-42215138-ACCACTG-A. GRCh37 (hg19) VCF-style: chr22-42611144-ACCACTG-A.
Other names: c.150CAGTGG[2], p.51SG[2] (NM_005650.4, NM_181492.3); c.162_167del6 (NM_005650.3).
Identifiers: ClinVar variation 1338380 (VCV001338380.38), dbSNP rs541147459, ClinGen allele CA10267423.